The following is an entry in ClinVar:

ClinVar aggregate classification (germline): Uncertain significance (1 of 4 stars; one submission).

Conditions:
AHDC1-related intellectual disability - obstructive sleep apnea - mild dysmorphism syndrome. Also called: Xia-Gibbs syndrome. Identifiers: Orphanet 412069, MedGen C4014419, MONDO:0014358, OMIM 615829.

gnomAD v4.1: 1 of 1,610,818 alleles (0.000062%); highest among the groups gnomAD compares: Non-Finnish European, 0.000085%; no homozygotes.

Submission:

Illumina Laboratory Services, Illumina
Classification: Uncertain significance for AHDC1-related intellectual disability - obstructive sleep apnea - mild dysmorphism syndrome. Last evaluated: 2021-01-08. Review status: criteria provided, single submitter. Criteria: ICSLVariantClassificationCriteria RUGD 01 April 2020. Collection method: clinical testing. Allele origin: unknown.
Comment: The AHDC1 c.2789G>A (p.Gly930Glu) variant is a missense variant. A literature search was performed for the gene, cDNA change, and amino acid change. No publications were found based on this search. This variant is not found in the Genome Aggregation Database in a region of good sequencing coverage, so the variant is presumed to be rare. Based on the limited evidence, the p.Gly930Glu variant is classified as a variant of uncertain significance for Xia-Gibbs syndrome.

NM_001371928.1(AHDC1):c.2789G>A (p.Gly930Glu)

Gene: AHDC1 (AT-hook DNA binding motif containing 1; minus strand). Cytogenetic location: 1p36.11.
Variant type: single nucleotide variant.
Coding change: c.2789G>A on transcript NM_001371928.1 (MANE Select); coding-DNA position 2789, G replaced by A.
Protein change: p.Gly930Glu; replaces glycine 930 with glutamic acid.
Molecular consequence: missense variant.
Genome position (GRCh38, 1-based): chr1:27,549,327, C>T on the plus strand (G>A on the coding strand, the complement: AHDC1 is on the minus strand). VCF-style: chr1-27549327-C-T. GRCh37 (hg19) VCF-style: chr1-27875838-C-T.
Other names: c.2789G>A, p.Gly930Glu (NM_001029882.3); short protein forms G930E.
Identifiers: ClinVar variation 1199217 (VCV001199217.4), dbSNP rs2148274506, ClinGen allele CA339229671.